The following is an entry in ClinVar:

NM_003184.4(TAF2):c.1740A>T (p.Gln580His)

Gene: TAF2 (TATA-box binding protein associated factor 2; minus strand). Cytogenetic location: 8q24.12.
Variant type: single nucleotide variant.
Coding change: c.1740A>T on transcript NM_003184.4 (MANE Select); coding-DNA position 1740, A replaced by T.
Protein change: p.Gln580His; replaces glutamine 580 with histidine.
Molecular consequence: missense variant.
Genome position (GRCh38, 1-based): chr8:119,788,391, T>A on the plus strand (A>T on the coding strand, the complement: TAF2 is on the minus strand). VCF-style: chr8-119788391-T-A. GRCh37 (hg19) VCF-style: chr8-120800631-T-A.
Other names: short protein forms Q580H.
Identifiers: ClinVar variation 1802130 (VCV001802130.1), dbSNP rs2488387717, ClinGen allele CA371882717.
Genomic context (GRCh38, chr8:119,788,391, plus strand): 5'-TGCCTACCTTCTACTTTTGGAATGGCAGGGTATATCATGTTTAAGGCTGTTTTCTTCAAT[T>A]TGCAGTGTATGATTGAAGGATCCATCTAACTCCTGCACTGTCACTTTAAGTGGTCCCTTT-3'
Protein context (NP_003175.2, residues 570-590): ELDGSFNHTL[Gln580His]IEENSLKHDI

ClinVar aggregate classification (germline): Uncertain significance (1 of 4 stars; one submission).

Submission:

GeneDx
Classification: Uncertain significance. Last evaluated: 2022-06-01. Review status: criteria provided, single submitter. Criteria: GeneDx Variant Classification Process June 2021. Collection method: clinical testing. Allele origin: germline. Affected: yes.
Comment: Not observed at significant frequency in large population cohorts (gnomAD); In silico analysis supports that this missense variant has a deleterious effect on protein structure/function; Has not been previously published as pathogenic or benign to our knowledge; Variants in candidate genes are classified as variants of uncertain significance in accordance with ACMG guidelines (Richards et al., 2015)